The following is an entry in ClinVar:

NM_001035.3(RYR2):c.7951G>T (p.Ala2651Ser)

Gene: RYR2 (ryanodine receptor 2; plus strand). Cytogenetic location: 1q43.
Variant type: single nucleotide variant.
Coding change: c.7951G>T on transcript NM_001035.3 (MANE Select); coding-DNA position 7951, G replaced by T.
Protein change: p.Ala2651Ser; replaces alanine 2651 with serine.
Molecular consequence: missense variant.
Genome position (GRCh38, 1-based): chr1:237,654,400, G>T. VCF-style: chr1-237654400-G-T. GRCh37 (hg19) VCF-style: chr1-237817700-G-T.
Other names: short protein forms A2651S.
Identifiers: ClinVar variation 4758367 (VCV004758367.1).
Genomic context (GRCh38, chr1:237,654,400, plus strand): 5'-GGTGCTGCCTCAGAAGAAGAACTTCATTTATCAAGAAAGTTGTTCTGGGGCATTTTTGAT[G>T]CCCTGTCTCAAAAGGTAATTTAATGGTTTGTGGGTTTGTTTGTATCAATAAAATGGTATA-3'
Protein context (NP_001026.2, residues 2641-2661): SRKLFWGIFD[Ala2651Ser]LSQKKYEQEL

ClinVar aggregate classification (germline): Uncertain significance (1 of 4 stars; one submission).

Conditions:
Cardiomyopathy (CMYO). Also called: Cardiomyopathies. Identifiers: Orphanet 167848, MedGen C0878544, MONDO:0004994, HP:0001638. Inheritance: Various modes of inheritance.

gnomAD v4.1: 1 of 1,613,802 alleles (0.000062%); highest among the groups gnomAD compares: Non-Finnish European, 0.000085%; no homozygotes.

Submission:

Color Diagnostics, LLC DBA Color Health
Classification: Uncertain significance for Cardiomyopathy. Last evaluated: 2025-08-27. Review status: criteria provided, single submitter. Criteria: ACMG Guidelines, 2015. Collection method: clinical testing. Allele origin: germline.
Comment: This missense variant replaces alanine with serine at codon 2651 of the RYR2 protein. Computational prediction suggests that this variant may not impact protein structure and function. To our knowledge, functional studies have not been reported for this variant. This variant has not been reported in individuals affected with RYR2-related disorders in the literature. This variant has not been identified in the general population by the Genome Aggregation Database (gnomAD). The available evidence is insufficient to determine the role of this variant in disease conclusively. Therefore, this variant is classified as a Variant of Uncertain Significance.